The following is an entry in ClinVar:

ClinVar aggregate classification (germline): Uncertain significance. Review status: criteria provided, multiple submitters, no conflicts (2 of 4 stars). 7 submissions from 7 submitters: Uncertain significance (6). 1 of the submissions does not count toward it. Last evaluated 2025-07-22.

Conditions:
SPINK1-related disorder. Also called: SPINK1-related condition.
Hereditary pancreatitis (PCTT). Also called: PRSS1-Related Hereditary Pancreatitis; Hereditary chronic pancreatitis. Identifiers: Orphanet 676, MedGen C0238339, MONDO:0008185, OMIM 167800.
Tropical pancreatitis. Identifiers: Orphanet 103918, MedGen C1842402, MONDO:0011986, OMIM 608189.

Allele frequency attached by ClinVar (database versions not stated): 1000 Genomes Project 30x 0.00016; gnomAD 0.00016; gnomAD exomes 0.00019; TOPMed 0.00023.
gnomAD v4.1: 276 of 1,516,408 alleles (0.018%); highest among the groups gnomAD compares: Middle Eastern, 0.14%; no homozygotes.

Submissions (7):

Department of Molecular Genetics, Istishari Arab Hospital
Classification: Uncertain significance for Hereditary pancreatitis. Last evaluated: 2025-07-22. Review status: criteria provided, single submitter. Criteria: ACMG Guidelines, 2015. Collection method: clinical testing. Allele origin: germline. Inheritance: Autosomal dominant inheritance. Affected: yes.
Comment: The c.-142T>C variant is located in the 5' untranslated region (5’UTR) of the SPINK1 gene. This variant results from a T to C substitution 142 bases upstream from the first translated codon. It has been identified in patients with pancreatitis (PMID: 17003641, 21610753) and has functional evidence of impact on gene expression (PMID: 21610753, 28556356, 25792561). This variant was detected along with another heterozygous variant in the CFTR gene (p.Phe1052Val). It is classified as variant of uncertain significance according to the recommendations of ACMG/AMP/ClinGen SVI guidelines. These two variants in the SPINK1 and CFTR genes has been described as a susceptibility factor contributing to pancreatitis, particularly when occurring together in a trans-heterozygous state. However, such variants are not sufficient on their own to cause disease, and are best interpreted in the context of a multifactorial etiology (PMID: 11938439, OMIM: 167800).

Fulgent Genetics
Classification: Uncertain significance for Hereditary pancreatitis; Tropical pancreatitis. Last evaluated: 2024-05-30. Review status: criteria provided, single submitter. Criteria: ACMG Guidelines, 2015. Collection method: clinical testing. Allele origin: germline.

Baylor Genetics
Classification: Uncertain significance for Tropical pancreatitis. Last evaluated: 2023-11-29. Review status: criteria provided, single submitter. Criteria: ACMG Guidelines, 2015. Collection method: clinical testing. Allele origin: unknown.

ARUP Laboratories, Molecular Genetics and Genomics, ARUP Laboratories
Classification: Uncertain significance. Last evaluated: 2023-04-24. Review status: criteria provided, single submitter. Criteria: ARUP Molecular Germline Variant Investigation Process 2024. Collection method: clinical testing. Allele origin: germline.
Comment: The SPINK1 c.-142T>C variant (rs755968566) is reported in individuals with chronic pancreatitis and absent from control individuals (Boulling 2011, Derikx 2015, Keiles 2006). This variant is also reported in ClinVar (Variation ID: 239502). Functional characterization shows this variant causes a decrease in promoter activity (Boulling 2011, Derikx 2015). This variant is found in the general population with an overall allele frequency of 0.02% (5/31408 alleles) in the Genome Aggregation Database. The c.-142T>C variant was predicted to disrupt the putative HNF1-binding sequence, and in vitro cross-competition and super shift assays support this prediction (Boulling 2011). However, due to limited information, the clinical significance of this variant is uncertain at this time. References: Boulling A et al. Assessing the pathological relevance of SPINK1 promoter variants. Eur J Hum Genet. 2011 Oct;19(10):1066-73. PMID: 21610753 Derikx MHM et al. Functional significance of SPINK1 promoter variants in chronic pancreatitis. Am J Physiol Gastrointest Liver Physiol. 2015 May 1;308(9):G779-84. PMID: 25792561 Keiles S et al. Identification of CFTR, PRSS1, and SPINK1 mutations in 381 patients with pancreatitis. Pancreas. 2006 Oct;33(3):221-7. PMID: 17003641

Ambry Genetics
Classification: Uncertain significance for Hereditary pancreatitis. Last evaluated: 2021-06-25. Review status: criteria provided, single submitter. Criteria: Ambry Variant Classification Scheme 2023. Collection method: clinical testing. Allele origin: germline.
Comment: The c.-142T>C variant is located in the 5' untranslated region (5&rsquo; UTR) of the SPINK1 gene. This variant results from a T to C substitution 142 bases upstream from the first translated codon. This nucleotide position is well conserved in available vertebrate species. The variant has been detected in multiple individuals with pancreatitis (Keiles S et al. Pancreas, 2006 Oct;33:221-7; Boulling A et al. Eur. J. Hum. Genet., 2011 Oct;19:1066-73). Functional studies showed that this alteration disrupts a putative HNF1-binding site and reduces the SPINK1 promoter activity (Boulling A et al. Eur. J. Hum. Genet., 2011 Oct;19:1066-73; Derikx MH et al. Am. J. Physiol. Gastrointest. Liver Physiol., 2015 May;308:G779-84). However, it is unknown whether the reduced promoter activity is sufficient to cause disease. In addition, the variant has been detected in multiple unaffected individuals at our laboratory. Since supporting evidence is limited at this time, the clinical significance of this alteration remains unclear.

Labcorp Genetics (formerly Invitae), Labcorp
Classification: Uncertain significance for Hereditary pancreatitis. Last evaluated: 2018-12-11. Review status: criteria provided, single submitter. Criteria: Invitae Variant Classification Sherloc (09022015). Collection method: clinical testing. Allele origin: germline.
Comment: This variant occurs in a non-coding region of the SPINK1 gene. It does not change the encoded amino acid sequence of the SPINK1 protein. In summary, the available evidence is currently insufficient to determine the role of this variant in disease. Therefore, it has been classified as a Variant of Uncertain Significance. Experimental studies have shown that this non-coding change disrupts SPINK1 protein function (PMID: 21610753, 28556356, 25792561). This variant has been observed in individuals affected with pancreatitis (PMID: 17003641, 21610753). ClinVar contains an entry for this variant (Variation ID: 239502). This variant is not present in population databases (ExAC no frequency).

PreventionGenetics, part of Exact Sciences
Classification: Uncertain significance for SPINK1-related condition. Last evaluated: 2024-03-21. Review status: no assertion criteria provided. Collection method: clinical testing. Allele origin: germline. Not counted in ClinVar's aggregate classification.
Comment: The SPINK1 c.-142T>C variant is located in the 5' untranslated region. This variant has been reported in the heterozygous state in individuals with chronic pancreatitis (Keiles et al 2006. PubMed ID: 17003641; Boulling et al. 2011. PubMed ID: 21610753). Functional studies suggest the c.-142T>C variant disrupts HNF1 transcription factor binding which results in decreased SPINK1 expression (Boulling et al. 2011. PubMed ID: 21610753; Derikx et al. 2015. PubMed ID: 25792561). This variant is reported in 0.032% of alleles in individuals of European (Non-Finnish) descent in gnomAD. SPINK1 exhibits complicated inheritance in which autosomal recessive and dominant inheritance (with reduced penetrance) have been observed in patients with chronic pancreatitis, as well as possible digenic inheritance with other genes associated with chronic pancreatitis (eg. CFTC, CFTR, PRSS1 see Zou. 2018. PubMed ID: 30420730). At this time, the clinical significance of this variant is uncertain due to the absence of conclusive functional and genetic evidence.

Literature cited by the submitters: PubMed 17003641 (cited by 3 submitters); PubMed 21610753 (cited by 3 submitters); PubMed 28556356 (cited by Department of Molecular Genetics, Istishari Arab Hospital and Labcorp Genetics (formerly Invitae), Labcorp); PubMed 25792561 (cited by 3 submitters); PubMed 11938439 (cited by Department of Molecular Genetics, Istishari Arab Hospital).

NM_003122.5(SPINK1):c.-142T>C

Gene: SPINK1 (serine peptidase inhibitor Kazal type 1; minus strand). Cytogenetic location: 5q32.
Variant type: single nucleotide variant.
Coding change: c.-142T>C on transcript NM_003122.5; 142 bases upstream of the start codon, T replaced by C.
Molecular consequence: 5 prime UTR variant. On other transcripts: genic upstream transcript variant (1).
Genome position (GRCh38, 1-based): chr5:147,831,719, A>G on the plus strand (T>C on the coding strand, the complement: SPINK1 is on the minus strand). VCF-style: chr5-147831719-A-G. GRCh37 (hg19) VCF-style: chr5-147211282-A-G.
Other names: c.-142T>C (NM_001354966.2, NM_001379610.1).
Identifiers: ClinVar variation 239502 (VCV000239502.18), dbSNP rs755968566, ClinGen allele CA10582407.